The following is an entry in ClinVar:

NM_001114753.3(ENG):c.1273-5C>T

Genes: ENG (endoglin; minus strand), LOC102723566 (uncharacterized LOC102723566; plus strand). Cytogenetic location: 9q34.11.
Variant type: single nucleotide variant.
Coding change: c.1273-5C>T on transcript NM_001114753.3 (MANE Select); 5 bases into the intron before coding-DNA position 1273, C replaced by T.
Molecular consequence: intron variant.
Genome position (GRCh38, 1-based): chr9:127,819,665, G>A on the plus strand (C>T on the coding strand, the complement: ENG is on the minus strand). VCF-style: chr9-127819665-G-A. GRCh37 (hg19) VCF-style: chr9-130581944-G-A.
Other names: c.1273-5C>T (NM_000118.4); c.727-5C>T (NM_001278138.2).
Identifiers: ClinVar variation 439646 (VCV000439646.23), dbSNP rs779103881, ClinGen allele CA5252824.

ClinVar aggregate classification (germline): Conflicting classifications of pathogenicity. Review status: criteria provided, conflicting classifications (1 of 4 stars). 4 submissions from 4 submitters: Uncertain significance (2); Benign (1); Likely benign (1). Last evaluated 2024-10-29.

Conditions:
Hereditary hemorrhagic telangiectasia (HHT). Also called: ORW DISEASE; Osler Weber Rendu syndrome; OSLER-RENDU-WEBER DISEASE; Osler hemorrhagic telangiectasia syndrome. Identifiers: Orphanet 774, MedGen C0039445, MONDO:0019180. Disease mechanism: loss of function.
Telangiectasia, hereditary hemorrhagic, type 1 (HHT1). Also called: Osler Weber Rendu syndrome type 1; ENG-Related Hereditary Hemorrhagic Telangiectasia. Identifiers: Orphanet 774, MedGen C4551861, MONDO:0008535, OMIM 187300. Disease mechanism: loss of function.

Allele frequency attached by ClinVar (database versions not stated): ExAC 0.00001; TOPMed 0.00001; gnomAD 0.00001.
gnomAD v4.1: 15 of 1,608,108 alleles (0.00093%); highest among the groups gnomAD compares: East Asian, 0.0022%; no homozygotes.

Submissions (4):

Labcorp Genetics (formerly Invitae), Labcorp
Classification: Likely benign for Hereditary hemorrhagic telangiectasia. Last evaluated: 2024-10-29. Review status: criteria provided, single submitter. Criteria: Invitae Variant Classification Sherloc (09022015). Collection method: clinical testing. Allele origin: germline.

Genetic Services Laboratory, University of Chicago
Classification: Uncertain significance. Last evaluated: 2021-11-22. Review status: criteria provided, single submitter. Criteria: ACMG Guidelines, 2015. Collection method: clinical testing. Allele origin: germline. Affected: no.
Comment: DNA sequence analysis of the ENG gene demonstrated a sequence change in intron 9, c.1273-5C>T. This sequence change has been described in the gnomAD database in one individual which corresponds to a population frequency of 0.00042% (dbSNP rs779103881). This sequence change is not predicted to have a deleterious effect on splicing based on in-silico splice prediction programs. This change does not appear to have been previously described in individuals with ENG-related disorders. It is possible that this sequence change represents a benign sequence change in the ENG gene that has not been identified to date. The functional significance of this sequence change is not known at present and its contribution to this individual's disease phenotype cannot definitively be determined.

Illumina Laboratory Services, Illumina
Classification: Uncertain significance for Telangiectasia, hereditary hemorrhagic, type 1. Last evaluated: 2018-03-30. Review status: criteria provided, single submitter. Criteria: ICSL Variant Classification Criteria 13 December 2019. Collection method: clinical testing. Allele origin: germline.

ARUP Laboratories, Molecular Genetics and Genomics, ARUP Laboratories
Classification: Benign. Last evaluated: 2016-09-19. Review status: criteria provided, single submitter. Criteria: ARUP Molecular Germline Variant Investigation Process. Collection method: clinical testing. Allele origin: germline.